The following is an entry in ClinVar:

ClinVar aggregate classification (germline): Likely benign. Review status: reviewed by expert panel (3 of 4 stars). 5 submissions from 5 submitters: Likely benign (1). 4 of the submissions do not count toward it. Last evaluated 2024-08-01.

Conditions:
Hereditary thrombocytopenia and hematologic cancer predisposition syndrome. Identifiers: Orphanet 71290, MedGen CN281654, MONDO:0011071.
Inborn genetic diseases. Identifiers: MedGen C0950123, MeSH D030342.
Hereditary thrombocytopenia and hematological cancer predisposition syndrome associated with RUNX1. Also called: Familial Platelet Disorder with Propensity to Acute Myelogenous Leukemia; Familial thrombocytopenia with propensity to acute myelogenous leukemia; RUNX1 Familial Platelet Disorder with Associated Myeloid Malignancies; PLATELET DISORDER, ASPIRIN-LIKE. Identifiers: Orphanet 71290, MedGen C1832388, MeSH C563324, MONDO:0100083, OMIM 601399.

Submissions (5):

ClinGen Myeloid Malignancy Variant Curation Expert Panel
Classification: Likely benign for Hereditary thrombocytopenia and hematologic cancer predisposition syndrome. Last evaluated: 2024-08-01. Review status: reviewed by expert panel. Criteria: ClinGen MyeloMalig ACMG Specifications v2. Collection method: curation. Allele origin: germline. Inheritance: Autosomal dominant inheritance.
Comment: NM_001754.5(RUNX1):c.939_950del (p.Ala315_Ser318del) is an in-frame deletion which does not occur within the Runt Homology Domain (AA 89-204) (PM4 not applied). This variant has a MAF of 0.0001858 (0.01858%, 24/129186, 24 alleles) in the European (non-Finnish) subpopulation of the gnomAD cohort, which is between 0.00015 (0.015%) and 0.0015 (0.15%) (BS1). In summary, this variant meets criteria to be classified as likely benign. ACMG/AMP criteria applied, as specified by the Myeloid Malignancy Variant Curation Expert Panel for RUNX1: BS1.

Labcorp Genetics (formerly Invitae), Labcorp
Classification: Likely benign for Hereditary thrombocytopenia and hematological cancer predisposition syndrome associated with RUNX1. Last evaluated: 2025-10-01. Review status: criteria provided, single submitter. Criteria: Invitae Variant Classification Sherloc (09022015). Collection method: clinical testing. Allele origin: germline. Not counted in ClinVar's aggregate classification.

Ambry Genetics
Classification: Uncertain significance for Inborn genetic diseases. Last evaluated: 2024-12-23. Review status: criteria provided, single submitter. Criteria: Ambry Variant Classification Scheme 2023. Collection method: clinical testing. Allele origin: germline. Not counted in ClinVar's aggregate classification.
Comment: The c.939_950del12 variant (also known as p.A315_S318del) is located in coding exon 7 of the RUNX1 gene. This variant results from an in-frame deletion of 12 nucleotides (CTCTGCAGAACT) at positions 939 to 950. This results in the in-frame deletion of 4 amino acids (AELS) at codons 315 to 318. This amino acid region is well conserved in available vertebrate species. In addition, the in silico prediction for this alteration is inconclusive (Choi Y et al. PLoS ONE. 2012; 7(10):e46688). Based on the available evidence, the clinical significance of this variant remains unclear.

GeneDx
Classification: Uncertain significance. Last evaluated: 2022-06-15. Review status: criteria provided, single submitter. Criteria: GeneDx Variant Classification Process June 2021. Collection method: clinical testing. Allele origin: germline. Affected: yes. Not counted in ClinVar's aggregate classification.
Comment: In-frame deletion of four amino acids in a non-repeat region; In silico analysis supports a deleterious effect on protein structure/function; Has not been previously published as pathogenic or benign to our knowledge

Genetic Services Laboratory, University of Chicago
Classification: Uncertain significance. Last evaluated: 2021-12-22. Review status: criteria provided, single submitter. Criteria: ACMG Guidelines, 2015. Collection method: clinical testing. Allele origin: germline. Affected: no. Not counted in ClinVar's aggregate classification.
Comment: DNA sequence analysis of the RUNX1 demonstrated a 12 base pair deletion in exon 8, c.939_950del. This in-frame deletion is predicted to result in the deletion of four amino acid residues, p.Ala315_Ser318del. This deletion does not appear to have been previously described in individuals with RUNX1-related disorders. This deletion has been described in the gnomAD database with a frequency of 0.08%in the Finnish European subpopulation (dbSNP rs748122795). The functional significance of this sequence change is not known at present and its contribution to this individual's disease phenotype cannot definitively be determined.

NM_001754.5(RUNX1):c.939_950del (p.Ala315_Ser318del)

Gene: RUNX1 (RUNX family transcription factor 1; minus strand). Cytogenetic location: 21q22.12.
Variant type: Deletion.
Coding change: c.939_950del on transcript NM_001754.5 (MANE Select); coding-DNA positions 939 to 950, 12 bases deleted (CTCTGCAGAACT).
Protein change: p.Ala315_Ser318del.
Molecular consequence: inframe deletion.
Genome position (GRCh38, 1-based): chr21:34,799,318-34,799,329, AGTTCTGCAGAG deleted on the plus strand (CTCTGCAGAACT on the coding strand, the reverse complement: RUNX1 is on the minus strand); deleting any 12 consecutive bases within chr21:34,799,318-34,799,331 gives the same sequence; the c. name uses the placement nearest the transcript's 3' end. VCF-style (leftmost placement, unchanged base first): chr21-34799317-AAGTTCTGCAGAG-A. GRCh37 (hg19) VCF-style: chr21-36171614-AAGTTCTGCAGAG-A.
Other names: NM_001754.5(RUNX1):c.939_950del; p.Ala315_Ser318del; c.939_950delCTCTGCAGAACT (NM_001754.4); c.858_869del, p.Ala288_Ser291del (NM_001001890.3).
Identifiers: ClinVar variation 532672 (VCV000532672.18), dbSNP rs748122795, ClinGen allele CA10014262.
Genomic context (GRCh38, chr21:34,799,317, plus strand): 5'-CCACCCCAGCTCAGCTGCAAAGAATGTGTTTTCAAGTGGCTTACTTGAGAGTCGACTGGA[AAGTTCTGCAGAG>A]AGGGTTGTCATGCCGCTGGCACGTCCAGGTGAAATGGGCGTTGCTGGGTGCACAGAAGGA-3'